The following is an entry in ClinVar:

ClinVar aggregate classification (germline): Uncertain significance (1 of 4 stars; one submission).

Conditions:
IGF2-related disorder. Also called: IGF2-related condition.

Submission:

PreventionGenetics, part of Exact Sciences
Classification: Uncertain significance for IGF2-related condition. Last evaluated: 2025-10-16. Review status: criteria provided, single submitter. Criteria: ACMG Guidelines, 2015. Collection method: clinical testing. Allele origin: germline.
Comment: The IGF2 c.392C>T variant is predicted to result in the amino acid substitution p.Pro131Leu. To our knowledge, this variant has not been reported in the literature or in a large population database (gnomAD), indicating this variant is rare. At this time, the clinical significance of this variant is uncertain due to the absence of conclusive functional and genetic evidence.

NM_000612.6(IGF2):c.392C>T (p.Pro131Leu)

Genes: IGF2 (insulin like growth factor 2; minus strand), INS-IGF2 (INS-IGF2 readthrough; minus strand). Cytogenetic location: 11p15.5.
Variant type: single nucleotide variant.
Coding change: c.392C>T on transcript NM_000612.6 (MANE Select); coding-DNA position 392, C replaced by T.
Protein change: p.Pro131Leu; replaces proline 131 with leucine.
Molecular consequence: missense variant. On other transcripts: non-coding transcript variant (1).
Genome position (GRCh38, 1-based): chr11:2,133,138, G>A on the plus strand (C>T on the coding strand, the complement: IGF2 is on the minus strand). VCF-style: chr11-2133138-G-A. GRCh37 (hg19) VCF-style: chr11-2154368-G-A.
Other names: c.392C>T, p.Pro131Leu (NM_001007139.6, NM_001291861.3, NM_001291862.3); c.560C>T, p.Pro187Leu (NM_001127598.3); short protein forms P187L, P131L.
Identifiers: ClinVar variation 4995640 (VCV004995640.1).